The following is an entry in ClinVar:

ClinVar aggregate classification (germline): Uncertain significance. Review status: reviewed by expert panel (3 of 4 stars). 10 submissions from 10 submitters: Uncertain significance (1). 9 of the submissions do not count toward it. Last evaluated 2026-08-31.

Conditions:
Glycogen storage disease, type II (IOPD). Also called: GAA DEFICIENCY, INFANTILE-ONSET; ACID MALTASE DEFICIENCY, INFANTILE-ONSET; GLYCOGENOSIS, GENERALIZED, CARDIAC FORM; GSD II; POMPE DISEASE, INFANTILE-ONSET; GLYCOGEN STORAGE DISEASE II, INFANTILE-ONSET. Identifiers: Orphanet 365, MedGen C0017921, MONDO:0009290, OMIM 232300.
GAA-related disorders.

Allele frequency attached by ClinVar (database versions not stated): TOPMed 0.00002; ESP Exome Variant Server 0.00015; gnomAD 0.00001; gnomAD exomes 0.00004; ExAC 0.00007.
gnomAD v4.1: 56 of 1,612,856 alleles (0.0035%); highest among the groups gnomAD compares: South Asian, 0.012%; no homozygotes.

Submissions (10):

ClinGen Lysosomal Storage Disorder Variant Curation Expert Panel
Classification: Uncertain significance for Glycogen storage disease, type II. Last evaluated: 2026-08-31. Review status: reviewed by expert panel. Criteria: clingen_lsd_acmg_specifications_v2-1. Collection method: curation. Allele origin: germline. Inheritance: Autosomal recessive inheritance.
Comment: The NM_000152.5:c.1123 C>T variant in GAA is a missense variant predicted to cause substitution of arginine by cysteine at amino acid 375 (p.Arg375Cys). This variant has been detected in seven individuals with abnormal newborn screening. Six patients with this variant had documented GAA deficiency with activity in the affected range in muscle, cultured skin fibroblasts, leukocytes, lymphocytes, whole blood or dried blood spot. Of those individuals, 4 were compound heterozygous for the variant and a pathogenic variant (3 patients with c.-32-13T>G and with c.670C>T) and 3 of those were confirmed in trans by family testing (PMID: 36246652, internal laboratory). One individual was homozygous for the variant and another was compound heterozygous for the variant and c.2005_2010del (p.Pro669_Phe670del) (confirmed in trans) (PMID: 40981304), not yet classified by the VCEP. However, all patients were detected through abnormal newborn screening and there is no evidence of symptoms or diagnosis of Pompe disease. Therefore PM3 and PP4 will not be applied. The highest population minor allele frequency in gnomAD v4.1.0 is 0.0001208 (11/91062 alleles)in the South Asian population, which is lower than the ClinGen Lysosomal Diseases VCEP’s threshold for PM2_Supporting (<0.001), meeting this criterion (PM2_Supporting). The computational predictor REVEL gives a score of 0.954 which is above the threshold of 0.7, evidence that correlates with impact to GAA function (PP3). Another missense variant c.1124G>T (p.Arg375Leu) (PMIDs: 24158270, 22081099) in the same codon has been classified as pathogenic for Pompe disease by the ClinGen Lysosomal Diseases VCEP (PM5). Two additional missense variants at the same amino acid position have been reported in ClinVar - c.1123C>A (p.Arg375Ser) and c.1124G>A (p.Arg375His) have been submitted to ClinVar but have not yet been classified by the ClinGen LD VCEP. Expression of the variant in HEK293 cells showed 11.7% GAA enzyme activity. However, this assay does not meet the requirements for use by the ClinGen Lysosomal Diseases VCEP because this percentage is above the cut off established by the assay (11%) to be considered deficient enzyme activity. There is a ClinVar entry for this variant (Variation ID: 290225). In summary, this variant meets the criteria to be classified as a variant of uncertain significance for Pompe disease based on the ACMG/AMP criteria applied, as specified by the ClinGen Lysosomal Diseases Variant Curation Expert panel (Specifications Version 2.0): PM2_Supporting, PM5, PP3. (Classification approved by the ClinGen Lysosomal Diseases VCEP on August 31, 2026)

Genomenon, Inc
Classification: Likely pathogenic for Glycogen storage disease, type II. Last evaluated: 2026-07-01. Review status: criteria provided, single submitter. Criteria: Genomenon Sequence Variant Interpretation Standards - Updated. Collection method: curation. Allele origin: germline. Not counted in ClinVar's aggregate classification.
Comment: GAA p.Arg375Cys (c.1123C>T) is a missense variant that changes the amino acid at codon 375 from Arginine to Cysteine. This variant has been reported in the compound heterozygous and/or homozygous state in at least one individual without a confirmed diagnosis of Pompe disease (PMID:36246652;40981304;37507255). At least one functional study has demonstrated a substantial alteration in protein function relative to the wild-type (PMID:36246652). The presence of pathogenic/likely pathogenic missense variant(s) at the same amino acid position indicates that this residue is likely important for protein function. It is absent or not present at a significant frequency in gnomAD. In silico models predict that this variant is possibly or probably damaging. In conclusion, we classify GAA p.Arg375Cys (c.1123C>T) as a likely pathogenic variant.

Labcorp Genetics (formerly Invitae), Labcorp
Classification: Pathogenic for Glycogen storage disease, type II. Last evaluated: 2025-12-26. Review status: criteria provided, single submitter. Criteria: Invitae Variant Classification Sherloc (09022015). Collection method: clinical testing. Allele origin: germline. Not counted in ClinVar's aggregate classification.
Comment: This sequence change replaces arginine, which is basic and polar, with cysteine, which is neutral and slightly polar, at codon 375 of the GAA protein (p.Arg375Cys). This variant is present in population databases (rs372486238, gnomAD 0.02%). This missense change has been observed in individual(s) with Pompe disease (PMID: 36246652). In at least one individual the data is consistent with being in trans (on the opposite chromosome) from a pathogenic variant. ClinVar contains an entry for this variant (Variation ID: 290225). Invitae Evidence Modeling of protein sequence and biophysical properties (such as structural, functional, and spatial information, amino acid conservation, physicochemical variation, residue mobility, and thermodynamic stability) indicates that this missense variant is expected to disrupt GAA protein function with a positive predictive value of 95%. Experimental studies have shown that this missense change affects GAA function (PMID: 36246652). This variant disrupts the p.Arg375 amino acid residue in GAA. Other variant(s) that disrupt this residue have been determined to be pathogenic (PMID: 18429042, 22990675, 24158270, 29422078). This suggests that this residue is clinically significant, and that variants that disrupt this residue are likely to be disease-causing. For these reasons, this variant has been classified as Pathogenic.

Natera, Inc.
Classification: Likely pathogenic for Glycogen storage disease type II. Last evaluated: 2025-11-10. Review status: criteria provided, single submitter. Criteria: Natera Variant Classification Schema (03/2026). Collection method: clinical testing. Allele origin: germline. Not counted in ClinVar's aggregate classification.
Comment: The c.1123C>T variant in GAA is a missense variant predicted to cause substitution of arginine to cysteine at amino acid 375. This variant is rare in the general population with a frequency below the threshold expected for the associated phenotype(s). This variant has been observed in one or more individuals affected with the associated recessive disease, as either homozygous or compound heterozygous with a second variant (PMID: 36246652). Functional studies show that this variant may disrupt protein function (PMID: 36246652). A different variant at the same position has been determined to be Pathogenic or Likely Pathogenic. Computational prediction algorithms indicate this variant is likely to affect gene or protein function. Given the available evidence, this variant is classified as Likely Pathogenic.

Women's Health and Genetics/Laboratory Corporation of America, LabCorp
Classification: Likely pathogenic for Glycogen storage disease, type II. Last evaluated: 2025-03-03. Review status: criteria provided, single submitter. Criteria: LabCorp Variant Classification Summary - May 2015. Collection method: clinical testing. Allele origin: germline. Not counted in ClinVar's aggregate classification.
Comment: Variant summary: GAA c.1123C>T (p.Arg375Cys) results in a non-conservative amino acid change located in the Glycoside hydrolase family 31, TIM barrel domain (IPR000322) of the encoded protein sequence. Five of five in-silico tools predict a damaging effect of the variant on protein function. The variant allele was found at a frequency of 3.6e-05 in 248608 control chromosomes. c.1123C>T has been reported in the literature in newborns who had abnormal newborn screening and also in an individual affected with hyperCKemia (examples : Gemelli_2020, Goomber_2022, Kubaski_2023). A different variant affecting the same codon has been classified as pathogenic by our lab (c.1124G>T, p.Arg375Leu), supporting the critical relevance of codon 375 to GAA protein function. In an in vitro functional study, the variant resulted in reduced activity (Goomber_2022). The following publications have been ascertained in the context of this evaluation (PMID: 34687219, 36246652, 37507255, 24627108). ClinVar contains an entry for this variant (Variation ID: 290225). Based on the evidence outlined above, the variant was classified as likely pathogenic.

Revvity Omics, Revvity
Classification: Likely pathogenic. Last evaluated: 2024-08-26. Review status: criteria provided, single submitter. Criteria: ACMG Guidelines, 2015. Collection method: clinical testing. Allele origin: germline. Not counted in ClinVar's aggregate classification.

Fulgent Genetics
Classification: Likely pathogenic for Glycogen storage disease, type II. Last evaluated: 2024-04-17. Review status: criteria provided, single submitter. Criteria: ACMG Guidelines, 2015. Collection method: clinical testing. Allele origin: germline. Not counted in ClinVar's aggregate classification.

Blueprint Genetics
Classification: Likely pathogenic for GAA-related disorders. Last evaluated: 2023-12-12. Review status: criteria provided, single submitter. Criteria: ACMG Guidelines, 2015. Collection method: clinical testing. Allele origin: germline. Affected: yes. Observed: 1 variant allele. Not counted in ClinVar's aggregate classification.

Genome-Nilou Lab
Classification: Uncertain significance for Glycogen storage disease, type II. Last evaluated: 2021-09-05. Review status: criteria provided, single submitter. Criteria: ACMG Guidelines, 2015. Collection method: clinical testing. Allele origin: germline. Affected: no. Not counted in ClinVar's aggregate classification.

Eurofins Ntd Llc (ga)
Classification: Uncertain significance. Last evaluated: 2017-05-05. Review status: criteria provided, single submitter. Criteria: EGL Classification Definitions 2015. Collection method: clinical testing. Allele origin: germline. Observed: 2 variant alleles, 2 heterozygotes. Not counted in ClinVar's aggregate classification.

Literature cited by the submitters: PubMed 36246652 (cited by 4 submitters); PubMed 40981304 (cited by Genomenon, Inc); PubMed 37507255 (cited by Genomenon, Inc and Women's Health and Genetics/Laboratory Corporation of America, LabCorp); PubMed 18429042 (cited by Labcorp Genetics (formerly Invitae), Labcorp); PubMed 22990675 (cited by Labcorp Genetics (formerly Invitae), Labcorp); PubMed 24158270 (cited by Labcorp Genetics (formerly Invitae), Labcorp); PubMed 29422078 (cited by Labcorp Genetics (formerly Invitae), Labcorp); PubMed 24627108 (cited by Women's Health and Genetics/Laboratory Corporation of America, LabCorp); PubMed 34687219 (cited by Women's Health and Genetics/Laboratory Corporation of America, LabCorp).

NM_000152.5(GAA):c.1123C>T (p.Arg375Cys)

Gene: GAA (alpha glucosidase; plus strand). Cytogenetic location: 17q25.3.
Variant type: single nucleotide variant.
Coding change: c.1123C>T on transcript NM_000152.5 (MANE Select); coding-DNA position 1123, C replaced by T.
Protein change: p.Arg375Cys; replaces arginine 375 with cysteine.
Molecular consequence: missense variant.
Genome position (GRCh38, 1-based): chr17:80,108,536, C>T. VCF-style: chr17-80108536-C-T. GRCh37 (hg19) VCF-style: chr17-78082335-C-T.
Other names: NM_000152.5(GAA):c.1123C>T; p.Arg375Cys; c.1123C>T (LRG_673t1, NM_000152.4); c.1123C>T, p.Arg375Cys (NM_001079803.3, NM_001079804.3); short protein forms R375C.
Identifiers: ClinVar variation 290225 (VCV000290225.30), dbSNP rs372486238, ClinGen allele CA8815176.
Genomic context (GRCh38, chr17:80,108,536, plus strand): 5'-CGTTGGCCTGCAGGATACCCGTTCATGCCGCCATACTGGGGCCTGGGCTTCCACCTGTGC[C>T]GCTGGGGCTACTCCTCCACCGCTATCACCCGCCAGGTGGTGGAGAACATGACCAGGGCCC-3'
Protein context (NP_000143.2, residues 365-385): PYWGLGFHLC[Arg375Cys]WGYSSTAITR